The following is an entry in ClinVar:

ClinVar aggregate classification (germline): Uncertain significance. Review status: criteria provided, multiple submitters, no conflicts (2 of 4 stars). 2 submissions from 2 submitters: Uncertain significance (2). Last evaluated 2024-10-24.

Conditions:
Inborn genetic diseases. Identifiers: MedGen C0950123, MeSH D030342.
Ectodermal dysplasia 13, hair/tooth type (ECTD13). Identifiers: MedGen C4479322, MONDO:0044305, OMIM 617392.

Allele frequency attached by ClinVar (database versions not stated): ExAC 0.00001; gnomAD 0.00003; gnomAD exomes 0.00004; TOPMed 0.00004; ESP Exome Variant Server 0.00015.

Submissions (2):

Ambry Genetics
Classification: Uncertain significance for Inborn genetic diseases. Last evaluated: 2024-10-24. Review status: criteria provided, single submitter. Criteria: Ambry Variant Classification Scheme 2023. Collection method: clinical testing. Allele origin: germline.

Institute of Human Genetics, University of Goettingen
Classification: Uncertain significance for Ectodermal dysplasia 13, hair/tooth type. Review status: criteria provided, single submitter. Criteria: ACMG Guidelines, 2015. Collection method: clinical testing. Allele origin: maternal. Affected: yes. Observed: 1 heterozygote.
Comment: ACMG criteria PM2, PP3

NM_001039570.3(KREMEN1):c.460C>T (p.Arg154Trp)

Gene: KREMEN1 (kringle containing transmembrane protein 1; plus strand). Cytogenetic location: 22q12.1.
Variant type: single nucleotide variant.
Coding change: c.460C>T on transcript NM_001039570.3 (MANE Select); coding-DNA position 460, C replaced by T.
Protein change: p.Arg154Trp; replaces arginine 154 with tryptophan.
Molecular consequence: missense variant.
Genome position (GRCh38, 1-based): chr22:29,121,464, C>T. VCF-style: chr22-29121464-C-T. GRCh37 (hg19) VCF-style: chr22-29517452-C-T.
Other names: c.460C>T, p.Arg154Trp (NM_001039571.1, NM_032045.5); c.460C>T (NM_032045.4); short protein forms R154W.
Identifiers: ClinVar variation 2691777 (VCV002691777.3), dbSNP rs377056181, ClinGen allele CA10169977.